The following is an entry in ClinVar:

NM_005751.5(AKAP9):c.10121T>G (p.Leu3374Trp)

Gene: AKAP9 (A-kinase anchoring protein 9; plus strand). Cytogenetic location: 7q21.2.
Variant type: single nucleotide variant.
Coding change: c.10121T>G on transcript NM_005751.5 (MANE Select); coding-DNA position 10121, T replaced by G.
Protein change: p.Leu3374Trp; replaces leucine 3374 with tryptophan.
Molecular consequence: missense variant.
Genome position (GRCh38, 1-based): chr7:92,097,080, T>G. VCF-style: chr7-92097080-T-G. GRCh37 (hg19) VCF-style: chr7-91726394-T-G.
Other names: c.4766T>G, p.Leu1589Trp (NM_001379277.1); c.10097T>G, p.Leu3366Trp (NM_147185.3); short protein forms L1589W, L3366W, L3374W.
Identifiers: ClinVar variation 956765 (VCV000956765.9), dbSNP rs1816731476, ClinGen allele CA368153743.

ClinVar aggregate classification (germline): Uncertain significance (1 of 4 stars; one submission).

Conditions:
Long QT syndrome (LQTS). Identifiers: MedGen C0023976, MeSH D008133, MONDO:0002442. Disease mechanism: loss of function. Inheritance: Various modes of inheritance.

Submission:

Labcorp Genetics (formerly Invitae), Labcorp
Classification: Uncertain significance for Long QT syndrome. Last evaluated: 2022-06-04. Review status: criteria provided, single submitter. Criteria: Invitae Variant Classification Sherloc (09022015). Collection method: clinical testing. Allele origin: germline.
Comment: This sequence change replaces leucine, which is neutral and non-polar, with tryptophan, which is neutral and slightly polar, at codon 3374 of the AKAP9 protein (p.Leu3374Trp). In summary, the available evidence is currently insufficient to determine the role of this variant in disease. Therefore, it has been classified as a Variant of Uncertain Significance. Algorithms developed to predict the effect of missense changes on protein structure and function are either unavailable or do not agree on the potential impact of this missense change (SIFT: "Deleterious"; PolyPhen-2: "Probably Damaging"; Align-GVGD: "Class C15"). ClinVar contains an entry for this variant (Variation ID: 956765). This variant has not been reported in the literature in individuals affected with AKAP9-related conditions. This variant is not present in population databases (gnomAD no frequency).